The following is an entry in ClinVar:

ClinVar aggregate classification (germline): Likely pathogenic (1 of 4 stars; one submission).

Conditions:
Osteogenesis imperfecta, perinatal lethal (OI2). Also called: VROLIK TYPE OF OSTEOGENESIS IMPERFECTA; Osteogenesis imperfecta type 2; Osteogenesis imperfecta, dominant perinatal lethal; OSTEOGENESIS IMPERFECTA, TYPE II; OI, TYPE II; OSTEOGENESIS IMPERFECTA CONGENITA. Identifiers: Orphanet 216804, MedGen C0268358, MONDO:0008147, OMIM 166210.

Submission:

3billion
Classification: Likely pathogenic for Osteogenesis imperfecta, perinatal lethal. Last evaluated: 2022-01-03. Review status: criteria provided, single submitter. Criteria: ACMG Guidelines, 2015. Collection method: clinical testing. Allele origin: germline. Affected: yes. Observed: 1 heterozygote.
Comment: Same nucleotide change resulting in same amino acid change has been previously reported to be associated with COL1A1 related disorder (PMID:17078022, PS1_P). In silico tool predictions suggest damaging effect of the variant on gene or gene product (REVEL: 0.947, 3CNET: 0.997, PP3_P). It is not observed in the gnomAD v2.1.1 dataset (PM2_M). The variant is located in a well-established functional domain or exonic hotspot, where pathogenic variants have frequently reported (PM1_M). Therefore, this variant is classified as likely pathogenic according to the recommendation of ACMG/AMP guideline.

Literature cited by the submitters: PubMed 17078022.

NM_000088.4(COL1A1):c.1292G>T (p.Gly431Val)

Gene: COL1A1 (collagen type I alpha 1 chain; minus strand). Cytogenetic location: 17q21.33.
Variant type: single nucleotide variant.
Coding change: c.1292G>T on transcript NM_000088.4 (MANE Select); coding-DNA position 1292, G replaced by T.
Protein change: p.Gly431Val; replaces glycine 431 with valine.
Molecular consequence: missense variant.
Genome position (GRCh38, 1-based): chr17:50,195,239, C>A on the plus strand (G>T on the coding strand, the complement: COL1A1 is on the minus strand). VCF-style: chr17-50195239-C-A. GRCh37 (hg19) VCF-style: chr17-48272600-C-A.
Other names: short protein forms G431V.
Identifiers: ClinVar variation 1333627 (VCV001333627.1), dbSNP rs72648332, ClinGen allele CA291546597.